The following is an entry in ClinVar:

ClinVar aggregate classification (germline): Uncertain significance (1 of 4 stars; one submission).

Conditions:
Cardiovascular phenotype. Identifiers: MedGen CN230736.

gnomAD v4.1: 12 of 1,612,252 alleles (0.00074%); highest among the groups gnomAD compares: Non-Finnish European, 0.001%; no homozygotes.

Submission:

Ambry Genetics
Classification: Uncertain significance for Cardiovascular phenotype. Last evaluated: 2025-04-19. Review status: criteria provided, single submitter. Criteria: Ambry Variant Classification Scheme 2023. Collection method: clinical testing. Allele origin: germline.
Comment: The p.M38I variant (also known as c.114G>C), located in coding exon 2 of the CSRP3 gene, results from a G to C substitution at nucleotide position 114. The methionine at codon 38 is replaced by isoleucine, an amino acid with highly similar properties. This amino acid position is conserved. In addition, the in silico prediction for this alteration is inconclusive. Based on the available evidence, the clinical significance of this variant remains unclear.

NM_003476.5(CSRP3):c.114G>C (p.Met38Ile)

Gene: CSRP3 (cysteine and glycine rich protein 3; minus strand). Cytogenetic location: 11p15.1.
Variant type: single nucleotide variant.
Coding change: c.114G>C on transcript NM_003476.5 (MANE Select); coding-DNA position 114, G replaced by C.
Protein change: p.Met38Ile; replaces methionine 38 with isoleucine.
Molecular consequence: missense variant. On other transcripts: intron variant (1).
Genome position (GRCh38, 1-based): chr11:19,188,303, C>G on the plus strand (G>C on the coding strand, the complement: CSRP3 is on the minus strand). VCF-style: chr11-19188303-C-G. GRCh37 (hg19) VCF-style: chr11-19209850-C-G.
Other names: c.113-1955G>C (NM_001369404.1); short protein forms M38I.
Identifiers: ClinVar variation 4007721 (VCV004007721.1).
Genomic context (GRCh38, chr11:19,188,303, plus strand): 5'-GCAGTAGATCTCCGACTCATGAGCCGCGACTGTCGTGCTGTCAAGAGCCTTCCTGCAGGC[C>G]ACTGCCAGGAAAAGGAAGGGTCATGGGATTGGAATTGAAATCCTTCTCCCCTTCTTTGCA-3'
Protein context (NP_003467.1, residues 28-48): RSFHKTCFHC[Met38Ile]ACRKALDSTT